The following is an entry in ClinVar:

NM_001278689.2(EOGT):c.420G>T (p.Thr140=)

Gene: EOGT (EGF domain specific O-linked N-acetylglucosamine transferase; minus strand). Cytogenetic location: 3p14.1.
Variant type: single nucleotide variant.
Coding change: c.420G>T on transcript NM_001278689.2 (MANE Select); coding-DNA position 420, G replaced by T.
Protein change: p.Thr140=; no amino-acid change (threonine 140 retained).
Molecular consequence: synonymous variant. On other transcripts: non-coding transcript variant (1).
Genome position (GRCh38, 1-based): chr3:69,007,713, C>A on the plus strand (G>T on the coding strand, the complement: EOGT is on the minus strand). VCF-style: chr3-69007713-C-A. GRCh37 (hg19) VCF-style: chr3-69056864-C-A.
Other names: c.420G>T, p.Thr140= (NM_173654.3).
Identifiers: ClinVar variation 3089257 (VCV003089257.1), dbSNP rs748425624, ClinGen allele CA2486941.

ClinVar aggregate classification (germline): Uncertain significance (1 of 4 stars; one submission).

Conditions:
Inborn genetic diseases. Identifiers: MedGen C0950123, MeSH D030342.

Allele frequency attached by ClinVar (database versions not stated): ExAC 0.00002.
gnomAD v4.1: 11 of 1,581,730 alleles (0.0007%); highest among the groups gnomAD compares: South Asian, 0.008%; 1 homozygote.

Submission:

Ambry Genetics
Classification: Uncertain significance for Inborn genetic diseases. Last evaluated: 2023-11-16. Review status: criteria provided, single submitter. Criteria: Ambry Variant Classification Scheme 2023. Collection method: clinical testing. Allele origin: germline.
Comment: Occurs in the last base pair of the exon Based on insufficient or conflicting evidence, the clinical significance of this alteration remains unclear.